The following is an entry in ClinVar:

NM_012479.4(YWHAG):c.509C>G (p.Pro170Arg)

Gene: YWHAG (tyrosine 3-monooxygenase/tryptophan 5-monooxygenase activation protein gamma; minus strand). Cytogenetic location: 7q11.23.
Variant type: single nucleotide variant.
Coding change: c.509C>G on transcript NM_012479.4 (MANE Select); coding-DNA position 509, C replaced by G.
Protein change: p.Pro170Arg; replaces proline 170 with arginine.
Molecular consequence: missense variant.
Genome position (GRCh38, 1-based): chr7:76,329,812, G>C on the plus strand (C>G on the coding strand, the complement: YWHAG is on the minus strand). VCF-style: chr7-76329812-G-C. GRCh37 (hg19) VCF-style: chr7-75959129-G-C.
Other names: short protein forms P170R.
Identifiers: ClinVar variation 3893311 (VCV003893311.1).

ClinVar aggregate classification (germline): Uncertain significance (1 of 4 stars; one submission).

Submission:

GeneDx
Classification: Uncertain significance. Last evaluated: 2024-10-23. Review status: criteria provided, single submitter. Criteria: GeneDx Variant Classification Process June 2021. Collection method: clinical testing. Allele origin: germline. Affected: yes.
Comment: Not observed at significant frequency in large population cohorts (gnomAD); In silico analysis supports that this missense variant has a deleterious effect on protein structure/function; Has not been previously published as pathogenic or benign to our knowledge